The following is an entry in ClinVar:

NM_001363711.2(DUOX2):c.3640del (p.Ser1214fs)

Gene: DUOX2 (dual oxidase 2; minus strand). Cytogenetic location: 15q21.1.
Variant type: Deletion.
Coding change: c.3640del on transcript NM_001363711.2 (MANE Select); coding-DNA position 3640, one base deleted (A; older notation c.3640delA).
Protein change: p.Ser1214fs; shifts the reading frame from serine 1214.
Molecular consequence: frameshift variant.
Genome position (GRCh38, 1-based): chr15:45,097,667, T deleted on the plus strand (A on the coding strand, the reverse complement: DUOX2 is on the minus strand). VCF-style (leftmost placement, unchanged base first): chr15-45097666-CT-C. GRCh37 (hg19) VCF-style: chr15-45389864-CT-C.
Other names: c.3640del, p.Ser1214fs (NM_014080.5); short protein forms S1214fs.
Identifiers: ClinVar variation 2752816 (VCV002752816.3), dbSNP rs2504744456, ClinGen allele CA2697554429.

ClinVar aggregate classification (germline): Pathogenic (1 of 4 stars; one submission).

Submission:

Labcorp Genetics (formerly Invitae), Labcorp
Classification: Pathogenic. Last evaluated: 2023-08-16. Review status: criteria provided, single submitter. Criteria: Invitae Variant Classification Sherloc (09022015). Collection method: clinical testing. Allele origin: germline.
Comment: This sequence change creates a premature translational stop signal (p.Ser1214Alafs*7) in the DUOX2 gene. It is expected to result in an absent or disrupted protein product. Loss-of-function variants in DUOX2 are known to be pathogenic (PMID: 12110737, 18765513, 21565790, 24423310, 24735383). For these reasons, this variant has been classified as Pathogenic. This variant has not been reported in the literature in individuals affected with DUOX2-related conditions. This variant is not present in population databases (gnomAD no frequency).

Literature cited by the submitters: PubMed 12110737; PubMed 18765513; PubMed 21565790; PubMed 24423310; PubMed 24735383.